The following is an entry in ClinVar:

NM_001144967.3(NEDD4L):c.2327G>T (p.Cys776Phe)

Gene: NEDD4L (NEDD4 like E3 ubiquitin protein ligase; plus strand). Cytogenetic location: 18q21.31.
Variant type: single nucleotide variant.
Coding change: c.2327G>T on transcript NM_001144967.3 (MANE Select); coding-DNA position 2327, G replaced by T.
Protein change: p.Cys776Phe; replaces cysteine 776 with phenylalanine.
Molecular consequence: missense variant.
Genome position (GRCh38, 1-based): chr18:58,373,244, G>T. VCF-style: chr18-58373244-G-T. GRCh37 (hg19) VCF-style: chr18-56040476-G-T.
Other names: c.1904G>T, p.Cys635Phe (NM_001144970.3, NM_001144971.2); c.2135G>T, p.Cys712Phe (NM_001243960.2); c.2267G>T, p.Cys756Phe (NM_015277.6); c.1964G>T, p.Cys655Phe (NM_001144964.1, NM_001144965.2, NM_001144966.3); c.2303G>T, p.Cys768Phe (NM_001144968.2); c.2243G>T, p.Cys748Phe (NM_001144969.2); short protein forms C635F, C712F, C756F, C748F, C655F, C768F, C776F.
Identifiers: ClinVar variation 2719661 (VCV002719661.3), dbSNP rs2047126329, ClinGen allele CA402553031.

ClinVar aggregate classification (germline): Uncertain significance (1 of 4 stars; one submission).

Submission:

Labcorp Genetics (formerly Invitae), Labcorp
Classification: Uncertain significance. Last evaluated: 2026-01-26. Review status: criteria provided, single submitter. Criteria: Invitae Variant Classification Sherloc (09022015). Collection method: clinical testing. Allele origin: germline.
Comment: This sequence change replaces cysteine, which is neutral and slightly polar, with phenylalanine, which is neutral and non-polar, at codon 756 of the NEDD4L protein (p.Cys756Phe). This variant is not present in population databases (gnomAD no frequency). This variant has not been reported in the literature in individuals affected with NEDD4L-related conditions. ClinVar contains an entry for this variant (Variation ID: 2719661). Invitae Evidence Modeling of protein sequence and biophysical properties (such as structural, functional, and spatial information, amino acid conservation, physicochemical variation, residue mobility, and thermodynamic stability) indicates that this missense variant is not expected to disrupt NEDD4L protein function with a negative predictive value of 80%. In summary, the available evidence is currently insufficient to determine the role of this variant in disease. Therefore, it has been classified as a Variant of Uncertain Significance.